The following is an entry in ClinVar:

NM_016247.4(IMPG2):c.913G>A (p.Val305Ile)

Gene: IMPG2 (interphotoreceptor matrix proteoglycan 2; minus strand). Cytogenetic location: 3q12.3.
Variant type: single nucleotide variant.
Coding change: c.913G>A on transcript NM_016247.4 (MANE Select); coding-DNA position 913, G replaced by A.
Protein change: p.Val305Ile; replaces valine 305 with isoleucine.
Molecular consequence: missense variant.
Genome position (GRCh38, 1-based): chr3:101,257,769, C>T on the plus strand (G>A on the coding strand, the complement: IMPG2 is on the minus strand). VCF-style: chr3-101257769-C-T. GRCh37 (hg19) VCF-style: chr3-100976613-C-T.
Other names: short protein forms V305I.
Identifiers: ClinVar variation 862170 (VCV000862170.11), dbSNP rs201089959, ClinGen allele CA2519311.

ClinVar aggregate classification (germline): Conflicting classifications of pathogenicity. Review status: criteria provided, conflicting classifications (1 of 4 stars). 4 submissions from 4 submitters: Uncertain significance (2); Likely benign (2). Last evaluated 2026-08-30.

Conditions:
IMPG2-related disorder. Also called: IMPG2-related condition.
Inborn genetic diseases. Identifiers: MedGen C0950123, MeSH D030342.

Allele frequency attached by ClinVar (database versions not stated): ESP Exome Variant Server 0.00008; TOPMed 0.00009; gnomAD 0.00014 and 0.00015; gnomAD exomes 0.00015 and 0.00023; ExAC 0.00022.
gnomAD v4.1: 247 of 1,612,706 alleles (0.015%); highest among the groups gnomAD compares: South Asian, 0.033%; no homozygotes.

Submissions (4):

PreventionGenetics, part of Exact Sciences
Classification: Uncertain significance for IMPG2-related condition. Last evaluated: 2026-08-30. Review status: criteria provided, single submitter. Criteria: ACMG Guidelines, 2015. Collection method: clinical testing. Allele origin: germline.
Comment: The IMPG2 c.913G>A variant is predicted to result in the amino acid substitution p.Val305Ile. To our knowledge, this variant has not been reported in the literature. This variant is reported in 0.096% of alleles in individuals of European (Finnish) descent in gnomAD, which may be too frequent to be a primary cause of disease. Although we suspect that this variant may be benign, at this time, the clinical significance of this variant is uncertain due to the absence of conclusive functional and genetic evidence.

Ambry Genetics
Classification: Likely benign for Inborn genetic diseases. Last evaluated: 2025-04-28. Review status: criteria provided, single submitter. Criteria: Ambry Variant Classification Scheme 2023. Collection method: clinical testing. Allele origin: germline.

Labcorp Genetics (formerly Invitae), Labcorp
Classification: Uncertain significance. Last evaluated: 2024-12-02. Review status: criteria provided, single submitter. Criteria: Invitae Variant Classification Sherloc (09022015). Collection method: clinical testing. Allele origin: germline.
Comment: This sequence change replaces valine, which is neutral and non-polar, with isoleucine, which is neutral and non-polar, at codon 305 of the IMPG2 protein (p.Val305Ile). This variant is present in population databases (rs201089959, gnomAD 0.1%). This variant has not been reported in the literature in individuals affected with IMPG2-related conditions. ClinVar contains an entry for this variant (Variation ID: 862170). Invitae Evidence Modeling of protein sequence and biophysical properties (such as structural, functional, and spatial information, amino acid conservation, physicochemical variation, residue mobility, and thermodynamic stability) indicates that this missense variant is not expected to disrupt IMPG2 protein function with a negative predictive value of 80%. In summary, the available evidence is currently insufficient to determine the role of this variant in disease. Therefore, it has been classified as a Variant of Uncertain Significance.

Blueprint Genetics
Classification: Likely benign. Last evaluated: 2024-07-29. Review status: criteria provided, single submitter. Criteria: ACMG Guidelines, 2015. Collection method: clinical testing. Allele origin: germline.